The following is an entry in ClinVar:

NM_001079802.2(FKTN):c.1248C>T (p.Leu416=)

Gene: FKTN (fukutin; plus strand). Cytogenetic location: 9q31.2.
Variant type: single nucleotide variant.
Coding change: c.1248C>T on transcript NM_001079802.2 (MANE Select); coding-DNA position 1248, C replaced by T.
Protein change: p.Leu416=; no amino-acid change (leucine 416 retained).
Molecular consequence: synonymous variant. On other transcripts: 3 prime UTR variant (1), non-coding transcript variant (2).
Genome position (GRCh38, 1-based): chr9:105,635,126, C>T. VCF-style: chr9-105635126-C-T. GRCh37 (hg19) VCF-style: chr9-108397407-C-T.
Other names: c.1248C>T, p.Leu416= (NM_001198963.2, NM_001351496.2, NM_006731.2); c.1179C>T, p.Leu393= (NM_001351497.2); c.*40C>T (NM_001351498.2); c.852C>T, p.Leu284= (NM_001351499.2, NM_001351500.2, NM_001351501.2 and 1 more transcripts).
Identifiers: ClinVar variation 386541 (VCV000386541.34), dbSNP rs774804160, ClinGen allele CA5170602.

ClinVar aggregate classification (germline): Likely benign. Review status: criteria provided, multiple submitters, no conflicts (2 of 4 stars). 6 submissions from 6 submitters: Likely benign (6). Last evaluated 2025-12-15.

Conditions:
Cardiovascular phenotype. Identifiers: MedGen CN230736.
Walker-Warburg congenital muscular dystrophy. Also called: Muscular dystrophy-dystroglycanopathy, type A; Walker-Warburg syndrome. Identifiers: Orphanet 899, MedGen C0265221, MONDO:0000171.

Allele frequency attached by ClinVar (database versions not stated): ExAC 0.00001; gnomAD 0.00004 and 0.00005; TOPMed 0.00004.
gnomAD v4.1: 17 of 1,613,838 alleles (0.0011%); highest among the groups gnomAD compares: African/African-American, 0.017%; no homozygotes.

Submissions (6):

Labcorp Genetics (formerly Invitae), Labcorp
Classification: Likely benign for Walker-Warburg congenital muscular dystrophy. Last evaluated: 2025-12-15. Review status: criteria provided, single submitter. Criteria: Invitae Variant Classification Sherloc (09022015). Collection method: clinical testing. Allele origin: germline.

Women's Health and Genetics/Laboratory Corporation of America, LabCorp
Classification: Likely benign. Last evaluated: 2025-04-25. Review status: criteria provided, single submitter. Criteria: LabCorp Variant Classification Summary - May 2015. Collection method: clinical testing. Allele origin: germline.

Ambry Genetics
Classification: Likely benign for Cardiovascular phenotype. Last evaluated: 2024-04-27. Review status: criteria provided, single submitter. Criteria: Ambry Variant Classification Scheme 2023. Collection method: clinical testing. Allele origin: germline.

CeGaT Center for Human Genetics Tuebingen
Classification: Likely benign. Last evaluated: 2024-02-01. Review status: criteria provided, single submitter. Criteria: CeGaT Center For Human Genetics Tuebingen Variant Classification Criteria Version 2. Collection method: clinical testing. Allele origin: germline. Affected: yes. Observed: 1 variant allele.
Comment: FKTN: BP4, BP7

Athena Diagnostics
Classification: Likely benign. Last evaluated: 2017-06-26. Review status: criteria provided, single submitter. Criteria: Athena Diagnostics Criteria. Collection method: clinical testing. Allele origin: germline.

GeneDx
Classification: Likely benign. Last evaluated: 2016-05-24. Review status: criteria provided, single submitter. Criteria: GeneDx Variant Classification (06012015). Collection method: clinical testing. Allele origin: germline. Affected: yes.
Comment: This variant is considered likely benign or benign based on one or more of the following criteria: it is a conservative change, it occurs at a poorly conserved position in the protein, it is predicted to be benign by multiple in silico algorithms, and/or has population frequency not consistent with disease.